The following is an entry in ClinVar:

ClinVar aggregate classification (germline): Benign/Likely benign. Review status: criteria provided, multiple submitters, no conflicts (2 of 4 stars). 11 submissions from 10 submitters: Benign (8); Likely benign (1). 2 of the submissions do not count toward it. Last evaluated 2026-05-09.

Conditions:
Fibrochondrogenesis 1 (FBCG1). Identifiers: Orphanet 2021, MedGen C3278138, MONDO:0009226, OMIM 228520.
Stickler syndrome type 2 (STL2). Also called: STICKLER SYNDROME, BEADED VITREOUS TYPE; STICKLER SYNDROME, VITREOUS TYPE 2; STICKLER SYNDROME, TYPE II; COL11A1-Related Stickler Syndrome. Identifiers: Orphanet 828, Orphanet 90654, MedGen C1858084, MONDO:0011493, OMIM 604841.

Allele frequency attached by ClinVar (database versions not stated): gnomAD exomes 0.06120 and 0.07517; 1000 Genomes Project 0.06330; ExAC 0.06351; 1000 Genomes Project 30x 0.06496; gnomAD 0.08369 and 0.08714; TOPMed 0.08562; ESP Exome Variant Server 0.09880.
gnomAD v4.1: 122,191 of 1,612,862 alleles (7.6%); highest among the groups gnomAD compares: African/African-American, 13%; 5,153 homozygotes.

Submissions (11):

Women's Health and Genetics/Laboratory Corporation of America, LabCorp
Classification: Likely benign. Last evaluated: 2026-05-09. Review status: criteria provided, single submitter. Criteria: LabCorp Variant Classification Summary - May 2015. Collection method: clinical testing. Allele origin: germline.

Labcorp Genetics (formerly Invitae), Labcorp
Classification: Benign. Last evaluated: 2026-02-04. Review status: criteria provided, single submitter. Criteria: Invitae Variant Classification Sherloc (09022015). Collection method: clinical testing. Allele origin: germline.

Blueprint Genetics
Classification: Benign. Last evaluated: 2024-11-26. Review status: criteria provided, single submitter. Criteria: ACMG Guidelines, 2015. Collection method: clinical testing. Allele origin: germline.

Mayo Clinic Laboratories, Mayo Clinic
Classification: Benign. Last evaluated: 2020-12-07. Review status: criteria provided, single submitter. Criteria: ACMG Guidelines, 2015. Collection method: clinical testing. Allele origin: germline. Observed: 28 variant alleles.

Illumina Laboratory Services, Illumina
Classification: Benign for Fibrochondrogenesis 1. Last evaluated: 2018-01-13. Review status: criteria provided, single submitter. Criteria: ICSL Variant Classification Criteria 13 December 2019. Collection method: clinical testing. Allele origin: germline.
Comment: This variant was observed in the ICSL laboratory as part of a predisposition screen in an ostensibly healthy population. It had not been previously curated by ICSL or reported in the Human Gene Mutation Database (HGMD: prior to June 1st, 2018), and was therefore a candidate for classification through an automated scoring system. Utilizing variant allele frequency, disease prevalence and penetrance estimates, and inheritance mode, an automated score was calculated to assess if this variant is too frequent to cause the disease. Based on the score and internal cut-off values, a variant classified as benign is not then subjected to further curation. The score for this variant resulted in a classification of benign for this disease.

Illumina Laboratory Services, Illumina
Classification: Benign for Stickler syndrome type 2. Last evaluated: 2018-01-13. Review status: criteria provided, single submitter. Criteria: ICSL Variant Classification Criteria 13 December 2019. Collection method: clinical testing. Allele origin: germline.
Comment: the same text as in the submission from Illumina Laboratory Services, Illumina above.

GeneDx
Classification: Benign. Last evaluated: 2016-10-06. Review status: criteria provided, single submitter. Criteria: GeneDx Variant Classification (06012015). Collection method: clinical testing. Allele origin: germline. Affected: yes.
Comment: This variant is considered likely benign or benign based on one or more of the following criteria: it is a conservative change, it occurs at a poorly conserved position in the protein, it is predicted to be benign by multiple in silico algorithms, and/or has population frequency not consistent with disease.

Breakthrough Genomics
Classification: Benign. Review status: criteria provided, single submitter. Criteria: ACMG Guidelines, 2015. Collection method: not provided. Allele origin: germline. Inheritance: Autosomal recessive inheritance. Affected: yes.

PreventionGenetics, part of Exact Sciences
Classification: Benign. Review status: criteria provided, single submitter. Criteria: ACMG Guidelines, 2015. Collection method: clinical testing. Allele origin: germline.

Genome Diagnostics Laboratory, Amsterdam University Medical Center
Classification: Benign. Review status: no assertion criteria provided. Collection method: clinical testing. Allele origin: germline. Affected: yes. Study: VKGL Data-share Consensus. Not counted in ClinVar's aggregate classification.

Joint Genome Diagnostic Labs from Nijmegen and Maastricht, Radboudumc and MUMC+
Classification: Benign. Review status: no assertion criteria provided. Collection method: clinical testing. Allele origin: germline. Affected: yes. Study: VKGL Data-share Consensus. Not counted in ClinVar's aggregate classification.

NM_001854.4(COL11A1):c.138T>G (p.Asp46Glu)

Gene: COL11A1 (collagen type XI alpha 1 chain; minus strand). Cytogenetic location: 1p21.1.
Variant type: single nucleotide variant.
Coding change: c.138T>G on transcript NM_001854.4 (MANE Select); coding-DNA position 138, T replaced by G.
Protein change: p.Asp46Glu; replaces aspartic acid 46 with glutamic acid.
Molecular consequence: missense variant. On other transcripts: non-coding transcript variant (1).
Genome position (GRCh38, 1-based): chr1:103,082,941, A>C on the plus strand (T>G on the coding strand, the complement: COL11A1 is on the minus strand). VCF-style: chr1-103082941-A-C. GRCh37 (hg19) VCF-style: chr1-103548497-A-C.
Other names: c.138T>G, p.Asp46Glu (NM_001190709.2, NM_080629.3, NM_080630.4); short protein forms D46E.
Identifiers: ClinVar variation 258438 (VCV000258438.21), dbSNP rs11164663, ClinGen allele CA975544.